The following is an entry in ClinVar:

ClinVar aggregate classification (germline): Uncertain significance (1 of 4 stars; one submission).

Conditions:
Autosomal dominant childhood-onset proximal spinal muscular atrophy with contractures (SMALED2A). Also called: Spinal muscular atrophy, lower extremity-predominant, 2A, autosomal dominant; SPINAL MUSCULAR ATROPHY, LOWER EXTREMITY-PREDOMINANT, 2A, CHILDHOOD ONSET, AUTOSOMAL DOMINANT. Identifiers: Orphanet 363447, Orphanet 363454, MedGen C4747715, MONDO:0014121, OMIM 615290.

gnomAD v4.1: 12 of 1,613,988 alleles (0.00074%); highest among the groups gnomAD compares: East Asian, 0.018%; no homozygotes.

Submission:

Labcorp Genetics (formerly Invitae), Labcorp
Classification: Uncertain significance for Autosomal dominant childhood-onset proximal spinal muscular atrophy with contractures. Last evaluated: 2025-12-23. Review status: criteria provided, single submitter. Criteria: Invitae Variant Classification Sherloc (09022015). Collection method: clinical testing. Allele origin: germline.
Comment: This sequence change replaces arginine, which is basic and polar, with tryptophan, which is neutral and slightly polar, at codon 238 of the BICD2 protein (p.Arg238Trp). This variant is present in population databases (rs776027761, gnomAD 0.02%). This variant has not been reported in the literature in individuals affected with BICD2-related conditions. Invitae Evidence Modeling of protein sequence and biophysical properties (such as structural, functional, and spatial information, amino acid conservation, physicochemical variation, residue mobility, and thermodynamic stability) indicates that this missense variant is not expected to disrupt BICD2 protein function with a negative predictive value of 80%. In summary, the available evidence is currently insufficient to determine the role of this variant in disease. Therefore, it has been classified as a Variant of Uncertain Significance.

NM_001003800.2(BICD2):c.712C>T (p.Arg238Trp)

Gene: BICD2 (BICD cargo adaptor 2; minus strand). Cytogenetic location: 9q22.31.
Variant type: single nucleotide variant.
Coding change: c.712C>T on transcript NM_001003800.2 (MANE Select); coding-DNA position 712, C replaced by T.
Protein change: p.Arg238Trp; replaces arginine 238 with tryptophan.
Molecular consequence: missense variant.
Genome position (GRCh38, 1-based): chr9:92,720,650, G>A on the plus strand (C>T on the coding strand, the complement: BICD2 is on the minus strand). VCF-style: chr9-92720650-G-A. GRCh37 (hg19) VCF-style: chr9-95482932-G-A.
Other names: c.712C>T, p.Arg238Trp (NM_015250.4); short protein forms R238W.
Identifiers: ClinVar variation 4707119 (VCV004707119.1).
Genomic context (GRCh38, chr9:92,720,650, plus strand): 5'-GCAGGCTGTTCTTCTGTTCGCGCTCCGTCTTCAGGGTCTCCAGCGCCTCCTCCAGCTGCC[G>A]CTCTGAGATCTCCTTGAGGCGGATGGCATCCTCCAGCTGGCTGTTGAGGTACTCGGTCTC-3'
Protein context (NP_001003800.1, residues 228-248): DAIRLKEISE[Arg238Trp]QLEEALETLK